The following is an entry in ClinVar:

ClinVar aggregate classification (germline): Uncertain significance (1 of 4 stars; one submission).

Conditions:
Smith-Magenis syndrome (SMS). Also called: CHROMOSOME 17p11.2 DELETION SYNDROME. Identifiers: Orphanet 819, MedGen C0795864, MONDO:0008434, OMIM 182290.

Submission:

Baylor Genetics
Classification: Uncertain significance for Smith-Magenis syndrome. Last evaluated: 2018-12-21. Review status: criteria provided, single submitter. Criteria: ACMG Guidelines, 2015. Collection method: clinical testing. Allele origin: maternal. Affected: yes.
Comment: This variant was determined to be of uncertain significance according to ACMG Guidelines, 2015 [PMID:25741868].

NM_030665.4(RAI1):c.2918C>G (p.Ala973Gly)

Gene: RAI1 (retinoic acid induced 1; plus strand). Cytogenetic location: 17p11.2.
Variant type: single nucleotide variant.
Coding change: c.2918C>G on transcript NM_030665.4 (MANE Select); coding-DNA position 2918, C replaced by G.
Protein change: p.Ala973Gly; replaces alanine 973 with glycine.
Molecular consequence: missense variant.
Genome position (GRCh38, 1-based): chr17:17,795,866, C>G. VCF-style: chr17-17795866-C-G. GRCh37 (hg19) VCF-style: chr17-17699180-C-G.
Other names: short protein forms A973G.
Identifiers: ClinVar variation 1032233 (VCV001032233.1), dbSNP rs2032220904, ClinGen allele CA398552344.
Genomic context (GRCh38, chr17:17,795,866, plus strand): 5'-AAGAGGGGCCTGATGGGGAGCGAGCTCCAGGGGATTCCACCACCTCGGACGCCTCTCTGG[C>G]CCAGAAGCCCAACAAGCCTGCTGTGCCCGAGGCGCCCATCGCAAAGAAAGAGCCTGTGCC-3'
Protein context (NP_109590.3, residues 963-983): GDSTTSDASL[Ala973Gly]QKPNKPAVPE